The following is an entry in ClinVar:

NM_000051.4(ATM):c.320G>T (p.Cys107Phe)

Gene: ATM (ATM serine/threonine kinase; plus strand). Cytogenetic location: 11q22.3.
Variant type: single nucleotide variant.
Coding change: c.320G>T on transcript NM_000051.4 (MANE Select); coding-DNA position 320, G replaced by T.
Protein change: p.Cys107Phe; replaces cysteine 107 with phenylalanine.
Molecular consequence: missense variant.
Genome position (GRCh38, 1-based): chr11:108,229,312, G>T. VCF-style: chr11-108229312-G-T. GRCh37 (hg19) VCF-style: chr11-108100039-G-T.
Other names: c.320G>T, p.Cys107Phe (NM_001351834.2, NM_001351835.2, NM_001351836.2); short protein forms C107F.
Identifiers: ClinVar variation 823209 (VCV000823209.4), dbSNP rs142358238, ClinGen allele CA382521787.

ClinVar aggregate classification (germline): Uncertain significance (1 of 4 stars; one submission).

Conditions:
Hereditary cancer-predisposing syndrome. Also called: Tumor predisposition; Hereditary Cancer Syndrome; Neoplastic Syndromes, Hereditary; Hereditary neoplastic syndrome. Identifiers: Orphanet 140162, MedGen C0027672, MeSH D009386, MONDO:0015356.

gnomAD v4.1: 4 of 1,612,394 alleles (0.00025%); highest among the groups gnomAD compares: Non-Finnish European, 0.00034%; no homozygotes.

Submission:

Ambry Genetics
Classification: Uncertain significance for Hereditary cancer-predisposing syndrome. Last evaluated: 2022-07-13. Review status: criteria provided, single submitter. Criteria: Ambry Variant Classification Scheme 2023. Collection method: clinical testing. Allele origin: germline.
Comment: The p.C107F variant (also known as c.320G>T), located in coding exon 3 of the ATM gene, results from a G to T substitution at nucleotide position 320. The cysteine at codon 107 is replaced by phenylalanine, an amino acid with highly dissimilar properties. This amino acid position is well conserved in available vertebrate species. In addition, the in silico prediction for this alteration is inconclusive. Since supporting evidence is limited at this time, the clinical significance of this alteration remains unclear.